The following is an entry in ClinVar:

ClinVar aggregate classification (germline): Likely benign. Review status: criteria provided, single submitter (1 of 4 stars). 2 submissions from 2 submitters: Likely benign (1). 1 of the submissions does not count toward it. Last evaluated 2024-11-27.

Conditions:
PDE1C-related disorder. Also called: PDE1C-related condition.

Allele frequency attached by ClinVar (database versions not stated): ESP Exome Variant Server 0.00507; 1000 Genomes Project 0.00719; 1000 Genomes Project 30x 0.00874.
gnomAD v4.1: 1,634 of 1,614,128 alleles (0.1%); highest among the groups gnomAD compares: African/African-American, 1.9%; 9 homozygotes.

Submissions (3):

Blueprint Genetics
Classification: Likely benign. Last evaluated: 2024-11-27. Review status: criteria provided, single submitter. Criteria: ACMG Guidelines, 2015. Collection method: clinical testing. Allele origin: germline.

PreventionGenetics, part of Exact Sciences
Classification: Benign for PDE1C-related condition. Last evaluated: 2019-06-05. Review status: no assertion criteria provided. Collection method: clinical testing. Allele origin: germline. Not counted in ClinVar's aggregate classification.
Comment: This variant is classified as benign based on ACMG/AMP sequence variant interpretation guidelines (Richards et al. 2015 PMID: 25741868, with internal and published modifications).

Dr. Peter K. Rogan Lab, Western University
No classification provided (evidence only). Condition: Acute myeloid leukemia. Review status: no classification provided. Collection method: in vitro. Allele origin: not applicable. Functional consequence: retained intron. Not counted in ClinVar's aggregate classification.

NM_001191057.4(PDE1C):c.345G>T (p.Gly115=)

Gene: PDE1C (phosphodiesterase 1C; minus strand). Cytogenetic location: 7p14.3.
Variant type: single nucleotide variant.
Coding change: c.345G>T on transcript NM_001191057.4 (MANE Select); coding-DNA position 345, G replaced by T.
Protein change: p.Gly115=; no amino-acid change (glycine 115 retained).
Molecular consequence: synonymous variant.
Genome position (GRCh38, 1-based): chr7:31,879,076, C>A on the plus strand (G>T on the coding strand, the complement: PDE1C is on the minus strand). VCF-style: chr7-31879076-C-A. GRCh37 (hg19) VCF-style: chr7-31918689-C-A.
Other names: NC_000007.13:g.31918689C>A; c.345G>T, p.Gly115= (NM_001191056.3, NM_001191059.4, NM_001322055.2 and 3 more transcripts); c.525G>T, p.Gly175= (NM_001191058.4, NM_001322058.2); c.750G>T, p.Gly250= (NM_001322059.2).
Identifiers: ClinVar variation 3044840 (VCV003044840.4), dbSNP rs61745788, ClinGen allele CA4211244.
Genomic context (GRCh38, chr7:31,879,076, plus strand): 5'-CTGCACTGCGTGAACGATGCTCTTGAACCGGGGCTTCTCGTCGCTCCTCCTGAGCATCAT[C>A]CCCATCTGCCGCGTGAAGGTGGAGGCCAGCCAGTCTCGGACCTCAGAAGGCACAGCATCT-3'
Protein context (NP_001177986.1, residues 105-125): WLASTFTRQM[Gly115=]MMLRRSDEKP